The following is an entry in ClinVar:

NM_032382.5(COG8):c.47C>G (p.Ala16Gly)

Gene: COG8 (component of oligomeric golgi complex 8; minus strand). Cytogenetic location: 16q22.1.
Variant type: single nucleotide variant.
Coding change: c.47C>G on transcript NM_032382.5 (MANE Select); coding-DNA position 47, C replaced by G.
Protein change: p.Ala16Gly; replaces alanine 16 with glycine.
Molecular consequence: missense variant.
Genome position (GRCh38, 1-based): chr16:69,339,506, G>C on the plus strand (C>G on the coding strand, the complement: COG8 is on the minus strand). VCF-style: chr16-69339506-G-C. GRCh37 (hg19) VCF-style: chr16-69373409-G-C.
Other names: p.Ala16Gly; c.47C>G, p.Ala16Gly (NM_001374871.1, NM_001379261.1, NM_001379262.1 and 4 more transcripts); short protein forms A16G.
Identifiers: ClinVar variation 4231678 (VCV004231678.2).

ClinVar aggregate classification (germline): Uncertain significance. Review status: criteria provided, multiple submitters, no conflicts (2 of 4 stars). 2 submissions from 2 submitters: Uncertain significance (2). Last evaluated 2025-12-06.

Conditions:
Inborn genetic diseases. Identifiers: MedGen C0950123, MeSH D030342.

gnomAD v4.1: 28 of 1,607,204 alleles (0.0017%); highest among the groups gnomAD compares: Non-Finnish European, 0.0024%; no homozygotes.

Submissions (2):

Mayo Clinic Laboratories, Mayo Clinic
Classification: Uncertain significance. Last evaluated: 2025-12-06. Review status: criteria provided, single submitter. Criteria: ACMG Guidelines, 2015. Collection method: clinical testing. Allele origin: germline. Observed: 1 variant allele.
Comment: BP4_moderate

Ambry Genetics
Classification: Uncertain significance for Inborn genetic diseases. Last evaluated: 2025-09-01. Review status: criteria provided, single submitter. Criteria: Ambry Variant Classification Scheme 2023. Collection method: clinical testing. Allele origin: germline.